The following is an entry in ClinVar:

ClinVar aggregate classification (germline): Likely benign (1 of 4 stars; one submission).

gnomAD v4.1: 11 of 1,614,136 alleles (0.00068%); highest among the groups gnomAD compares: South Asian, 0.0077%; no homozygotes.

Submission:

CeGaT Center for Human Genetics Tuebingen
Classification: Likely benign. Last evaluated: 2025-06-01. Review status: criteria provided, single submitter. Criteria: CeGaT Center For Human Genetics Tuebingen Variant Classification Criteria Version 2. Collection method: clinical testing. Allele origin: germline. Affected: yes. Observed: 1 variant allele.
Comment: MAPK8IP3: BP4, BP7

NM_001318852.2(MAPK8IP3):c.150G>A (p.Glu50=)

Gene: MAPK8IP3 (mitogen-activated protein kinase 8 interacting protein 3; plus strand). Cytogenetic location: 16p13.3.
Variant type: single nucleotide variant.
Coding change: c.150G>A on transcript NM_001318852.2 (MANE Select); coding-DNA position 150, G replaced by A.
Protein change: p.Glu50=; no amino-acid change (glutamic acid 50 retained).
Molecular consequence: synonymous variant.
Genome position (GRCh38, 1-based): chr16:1,706,489, G>A. VCF-style: chr16-1706489-G-A. GRCh37 (hg19) VCF-style: chr16-1756490-G-A.
Other names: c.150G>A, p.Glu50= (NM_001040439.2, NM_015133.5).
Identifiers: ClinVar variation 3905967 (VCV003905967.10).